The following is an entry in ClinVar:

ClinVar aggregate classification (germline): Uncertain significance. Review status: criteria provided, multiple submitters, no conflicts (2 of 4 stars). 3 submissions from 3 submitters: Uncertain significance (3). Last evaluated 2025-07-03.

Conditions:
Mitochondrial complex II deficiency, nuclear type 1. Also called: SUCCINATE CoQ REDUCTASE DEFICIENCY. Identifiers: Orphanet 3208, MedGen C5700310, MONDO:0100294, OMIM 252011.
Pheochromocytoma/paraganglioma syndrome 5. Also called: SDHA-Related Hereditary Paraganglioma-Pheochromocytoma Syndrome; Paragangliomas 5. Identifiers: Orphanet 29072, MedGen C3279992, MONDO:0013602, OMIM 614165.
Hereditary cancer-predisposing syndrome. Also called: Neoplastic Syndromes, Hereditary; Hereditary Cancer Syndrome; Tumor predisposition; Hereditary neoplastic syndrome. Identifiers: Orphanet 140162, MedGen C0027672, MeSH D009386, MONDO:0015356.

Allele frequency attached by ClinVar (database versions not stated): gnomAD 0.00001; gnomAD exomes 0.00001; ExAC 0.00002.
gnomAD v4.1: 21 of 1,613,702 alleles (0.0013%); highest among the groups gnomAD compares: East Asian, 0.0045%; no homozygotes.

Submissions (3):

Quest Diagnostics Nichols Institute San Juan Capistrano
Classification: Uncertain significance. Last evaluated: 2025-07-03. Review status: criteria provided, single submitter. Criteria: Quest Diagnostics criteria. Collection method: clinical testing. Allele origin: unknown.
Comment: The SDHA c.379G>A (p.Val127Met) variant has not been reported in individuals with SDHA-related conditions in the published literature. The frequency of this variant in the general population (Genome Aggregation Database) is uninformative in the assessment of its pathogenicity. Analysis of this variant using bioinformatics tools for the prediction of the effect of amino acid changes on protein structure and function yielded predictions that this variant is damaging. Based on the available information, we are unable to determine the clinical significance of this variant.

Labcorp Genetics (formerly Invitae), Labcorp
Classification: Uncertain significance for Pheochromocytoma/paraganglioma syndrome 5; Mitochondrial complex II deficiency, nuclear type 1. Last evaluated: 2025-05-26. Review status: criteria provided, single submitter. Criteria: Invitae Variant Classification Sherloc (09022015). Collection method: clinical testing. Allele origin: germline.
Comment: This sequence change replaces valine, which is neutral and non-polar, with methionine, which is neutral and non-polar, at codon 127 of the SDHA protein (p.Val127Met). This variant is present in population databases (rs777600956, gnomAD 0.006%). This variant has not been reported in the literature in individuals affected with SDHA-related conditions. ClinVar contains an entry for this variant (Variation ID: 412332). Invitae Evidence Modeling of protein sequence and biophysical properties (such as structural, functional, and spatial information, amino acid conservation, physicochemical variation, residue mobility, and thermodynamic stability) has been performed for this missense variant. However, the output from this modeling did not meet the statistical confidence thresholds required to predict the impact of this variant on SDHA protein function. In summary, the available evidence is currently insufficient to determine the role of this variant in disease. Therefore, it has been classified as a Variant of Uncertain Significance.

Ambry Genetics
Classification: Uncertain significance for Hereditary cancer-predisposing syndrome. Last evaluated: 2023-12-27. Review status: criteria provided, single submitter. Criteria: Ambry Variant Classification Scheme 2023. Collection method: clinical testing. Allele origin: germline.
Comment: The p.V127M variant (also known as c.379G>A), located in coding exon 4 of the SDHA gene, results from a G to A substitution at nucleotide position 379. The valine at codon 127 is replaced by methionine, an amino acid with highly similar properties. This amino acid position is highly conserved in available vertebrate species. In addition, this alteration is predicted to be deleterious by in silico analysis. Since supporting evidence is limited at this time, the clinical significance of this alteration remains unclear.

NM_004168.4(SDHA):c.379G>A (p.Val127Met)

Gene: SDHA (succinate dehydrogenase complex flavoprotein subunit A; plus strand). Cytogenetic location: 5p15.33.
Variant type: single nucleotide variant.
Coding change: c.379G>A on transcript NM_004168.4 (MANE Select); coding-DNA position 379, G replaced by A.
Protein change: p.Val127Met; replaces valine 127 with methionine.
Molecular consequence: missense variant. On other transcripts: intron variant (1).
Genome position (GRCh38, 1-based): chr5:225,485, G>A. VCF-style: chr5-225485-G-A. GRCh37 (hg19) VCF-style: chr5-225600-G-A.
Other names: c.379G>A, p.Val127Met (NM_001330758.2); c.313-398G>A (NM_001294332.2); short protein forms V127M.
Identifiers: ClinVar variation 412332 (VCV000412332.14), dbSNP rs777600956, ClinGen allele CA3172807.
Genomic context (GRCh38, chr5:225,485, plus strand): 5'-ATCAATGCTGCTCTGGGGAACATGGAGGAGGACAACTGGAGGTGGCATTTCTACGACACC[G>A]TGAAGGGCTCCGACTGGCTGGGGGACCAGGATGCCATCCACTACATGACGGAGCAGGCCC-3'
Protein context (NP_004159.2, residues 117-137): DNWRWHFYDT[Val127Met]KGSDWLGDQD